The following is an entry in ClinVar:

NM_006231.4(POLE):c.5595C>G (p.Tyr1865Ter)

Gene: POLE (DNA polymerase epsilon, catalytic subunit; minus strand). Cytogenetic location: 12q24.33.
Variant type: single nucleotide variant.
Coding change: c.5595C>G on transcript NM_006231.4 (MANE Select); coding-DNA position 5595, C replaced by G.
Protein change: p.Tyr1865Ter; replaces tyrosine 1865 with a stop codon.
Molecular consequence: nonsense.
Genome position (GRCh38, 1-based): chr12:132,638,097, G>C on the plus strand (C>G on the coding strand, the complement: POLE is on the minus strand). VCF-style: chr12-132638097-G-C. GRCh37 (hg19) VCF-style: chr12-133214683-G-C.
Other names: short protein forms Y1865*.
Identifiers: ClinVar variation 2749816 (VCV002749816.3), dbSNP rs370958363, ClinGen allele CA387374138.

ClinVar aggregate classification (germline): Pathogenic (1 of 4 stars; one submission).

Submission:

Labcorp Genetics (formerly Invitae), Labcorp
Classification: Pathogenic. Last evaluated: 2023-06-13. Review status: criteria provided, single submitter. Criteria: Invitae Variant Classification Sherloc (09022015). Collection method: clinical testing. Allele origin: germline.
Comment: This sequence change creates a premature translational stop signal (p.Tyr1865*) in the POLE gene. It is expected to result in an absent or disrupted protein product. Loss-of-function variants in POLE are known to be pathogenic (PMID: 23230001, 25948378, 30503519). This variant is not present in population databases (gnomAD no frequency). This variant has not been reported in the literature in individuals affected with POLE-related conditions. For these reasons, this variant has been classified as Pathogenic.

Literature cited by the submitters: PubMed 23230001; PubMed 25948378; PubMed 30503519.